The following is an entry in ClinVar:

ClinVar aggregate classification (germline): Pathogenic/Likely pathogenic. Review status: criteria provided, multiple submitters, no conflicts (2 of 4 stars). 3 submissions from 3 submitters: Pathogenic (1); Likely pathogenic (1). 1 of the submissions does not count toward it. Last evaluated 2025-03-10.

Conditions:
Neurofibromatosis, type 1 (NF1). Also called: Neurofibromatosis, type I; NEUROFIBROMATOSIS, TYPE I, SOMATIC; Peripheral type neurofibromatosis; VON RECKLINGHAUSEN DISEASE. Identifiers: Orphanet 636, MedGen C0027831, MONDO:0018975, OMIM 162200. Disease mechanism: loss of function.

Submissions (3):

Labcorp Genetics (formerly Invitae), Labcorp
Classification: Pathogenic for Neurofibromatosis, type 1. Last evaluated: 2025-03-10. Review status: criteria provided, single submitter. Criteria: Invitae Variant Classification Sherloc (09022015). Collection method: clinical testing. Allele origin: germline.
Comment: This sequence change replaces lysine, which is basic and polar, with arginine, which is basic and polar, at codon 354 of the NF1 protein (p.Lys354Arg). This variant is not present in population databases (gnomAD no frequency). This missense change has been observed in individual(s) with clinical features of neurofibromatosis type I (PMID: 28961165; internal data). In at least one individual the variant was observed to be de novo. ClinVar contains an entry for this variant (Variation ID: 431576). An algorithm developed to predict the effect of missense changes on protein structure and function (PolyPhen-2) suggests that this variant is likely to be disruptive. Algorithms developed to predict the effect of sequence changes on RNA splicing suggest that this variant may disrupt the consensus splice site. For these reasons, this variant has been classified as Pathogenic.

GeneDx
Classification: Likely pathogenic. Last evaluated: 2022-02-15. Review status: criteria provided, single submitter. Criteria: GeneDx Variant Classification Process June 2021. Collection method: clinical testing. Allele origin: germline. Affected: yes.
Comment: Not observed at significant frequency in large population cohorts (gnomAD); In silico analysis supports a deleterious effect on splicing; In silico analysis supports that this missense variant does not alter protein structure/function; This variant is associated with the following publications: (PMID: 28961165)

Medical Genetics, University of Parma
Classification: Uncertain significance for Neurofibromatosis type 1. Last evaluated: 2017-02-02. Review status: no assertion criteria provided. Collection method: clinical testing. Allele origin: germline. Affected: yes. Not counted in ClinVar's aggregate classification.

Literature cited by the submitters: PubMed 28961165 (cited by Labcorp Genetics (formerly Invitae), Labcorp).

NM_001042492.3(NF1):c.1061A>G (p.Lys354Arg)

Gene: NF1 (neurofibromin 1; plus strand). Cytogenetic location: 17q11.2.
Variant type: single nucleotide variant.
Coding change: c.1061A>G on transcript NM_001042492.3 (MANE Select); coding-DNA position 1061, A replaced by G.
Protein change: p.Lys354Arg; replaces lysine 354 with arginine.
Molecular consequence: missense variant.
Genome position (GRCh38, 1-based): chr17:31,200,594, A>G. VCF-style: chr17-31200594-A-G. GRCh37 (hg19) VCF-style: chr17-29527612-A-G.
Other names: c.1061A>G, p.Lys354Arg (NM_000267.4, NM_001128147.3); short protein forms K354R.
Identifiers: ClinVar variation 431576 (VCV000431576.6), dbSNP rs1135402801, ClinGen allele CA398996566.